The following is an entry in ClinVar:

ClinVar aggregate classification (germline): Likely benign (1 of 4 stars; one submission).

Submission:

CeGaT Center for Human Genetics Tuebingen
Classification: Likely benign. Last evaluated: 2024-01-01. Review status: criteria provided, single submitter. Criteria: CeGaT Center For Human Genetics Tuebingen Variant Classification Criteria Version 2. Collection method: clinical testing. Allele origin: germline. Affected: yes. Observed: 1 variant allele.
Comment: EN1: BS2

NM_001426.4(EN1):c.618_647del (p.Val209_Ala218del)

Gene: EN1 (engrailed homeobox 1; minus strand). Cytogenetic location: 2q14.2.
Variant type: Deletion.
Coding change: c.618_647del on transcript NM_001426.4 (MANE Select); coding-DNA positions 618 to 647, 30 bases deleted (GGCGGCAGTGGCGGCGGCGGCGGCGGCCGC).
Protein change: p.Val209_Ala218del.
Molecular consequence: inframe deletion.
Genome position (GRCh38, 1-based): chr2:118,846,521-118,846,550, GCGGCCGCCGCCGCCGCCGCCACTGCCGCC deleted on the plus strand (GGCGGCAGTGGCGGCGGCGGCGGCGGCCGC on the coding strand, the reverse complement: EN1 is on the minus strand); deleting any 30 consecutive bases within chr2:118,846,521-118,846,570 gives the same sequence; the c. name uses the placement nearest the transcript's 3' end. VCF-style (leftmost placement, unchanged base first): chr2-118846520-TGCGGCCGCCGCCGCCGCCGCCACTGCCGCC-T. GRCh37 (hg19) VCF-style: chr2-119604096-TGCGGCCGCCGCCGCCGCCGCCACTGCCGCC-T.
Identifiers: ClinVar variation 3025150 (VCV003025150.22), dbSNP rs756983158, ClinGen allele CA1845391.
Genomic context (GRCh38, chr2:118,846,520, plus strand): 5'-TCCGGGGCTCCCCGCGCCGCCTCCACTGCCGCCGCCACCGGTGTCCGAGGGCTTGGCTGC[TGCGGCCGCCGCCGCCGCCGCCACTGCCGCC>T]GCGGCCGCCGCCGCCGCCGCAGCCGGGTTCCCAGCTTTAGACGCGCCCGCGCCGGCGGCG-3'